The following is an entry in ClinVar:

NM_005228.5(EGFR):c.869C>G (p.Thr290Ser)

Gene: EGFR (epidermal growth factor receptor; plus strand). Cytogenetic location: 7p11.2.
Variant type: single nucleotide variant.
Coding change: c.869C>G on transcript NM_005228.5 (MANE Select); coding-DNA position 869, C replaced by G.
Protein change: p.Thr290Ser; replaces threonine 290 with serine.
Molecular consequence: missense variant. On other transcripts: intron variant (1).
Genome position (GRCh38, 1-based): chr7:55,154,132, C>G. VCF-style: chr7-55154132-C-G. GRCh37 (hg19) VCF-style: chr7-55221825-C-G.
Other names: c.734C>G, p.Thr245Ser (NM_001346897.2, NM_001346899.2); c.869C>G, p.Thr290Ser (NM_001346898.2, NM_201282.2, NM_201283.2 and 1 more transcripts); c.710C>G, p.Thr237Ser (NM_001346900.2); c.89-1698C>G (NM_001346941.2); short protein forms T245S, T237S, T290S.
Identifiers: ClinVar variation 1982175 (VCV001982175.4), dbSNP rs1020654485, ClinGen allele CA367577854.

ClinVar aggregate classification (germline): Uncertain significance (1 of 4 stars; one submission).

Conditions:
EGFR-related lung cancer (EGFR). Identifiers: MedGen CN130014.

Submission:

Labcorp Genetics (formerly Invitae), Labcorp
Classification: Uncertain significance for EGFR-related lung cancer. Last evaluated: 2023-10-12. Review status: criteria provided, single submitter. Criteria: Invitae Variant Classification Sherloc (09022015). Collection method: clinical testing. Allele origin: germline.
Comment: This sequence change replaces threonine, which is neutral and polar, with serine, which is neutral and polar, at codon 290 of the EGFR protein (p.Thr290Ser). This variant is not present in population databases (gnomAD no frequency). This variant has not been reported in the literature in individuals affected with EGFR-related conditions. ClinVar contains an entry for this variant (Variation ID: 1982175). Advanced modeling of protein sequence and biophysical properties (such as structural, functional, and spatial information, amino acid conservation, physicochemical variation, residue mobility, and thermodynamic stability) performed at Invitae indicates that this missense variant is not expected to disrupt EGFR protein function. In summary, the available evidence is currently insufficient to determine the role of this variant in disease. Therefore, it has been classified as a Variant of Uncertain Significance.